The following is an entry in ClinVar:

ClinVar aggregate classification (germline): Pathogenic/Likely pathogenic. Review status: criteria provided, multiple submitters, no conflicts (2 of 4 stars). 4 submissions from 4 submitters: Pathogenic (3); Likely pathogenic (1). Last evaluated 2026-08-14.

Conditions:
Vascular skin disorders.
Glomuvenous malformation. Also called: GLOMANGIOMAS, MULTIPLE; GLOMUS TUMORS, MULTIPLE; Familial glomangioma; VENOUS MALFORMATIONS WITH GLOMUS CELLS. Identifiers: Orphanet 83454, MedGen C1841984, MONDO:0007672, OMIM 138000.

Submissions (4):

Genetics Laboratory, Great Ormond Street Hospital NHS Foundation Trust, North Thames Genomic Laboratory Hub
Classification: Pathogenic for Vascular skin disorders. Last evaluated: 2026-08-14. Review status: criteria provided, single submitter. Criteria: ACGS Best Practice Guidelines for Variant Classification in Rare Disease 2024 v1.2. Collection method: clinical testing. Allele origin: germline. Affected: yes.
Comment: PS4_moderate, PM2_moderate, PVS1_very-strong

GeneDx
Classification: Pathogenic. Last evaluated: 2025-09-19. Review status: criteria provided, single submitter. Criteria: GeneDx Variant Classification Process June 2021. Collection method: clinical testing. Allele origin: germline.
Comment: Frameshift variant predicted to result in protein truncation or nonsense mediated decay in a gene for which loss-of-function is a known mechanism of disease; Not observed at significant frequency in large population cohorts (gnomAD); This variant is associated with the following publications: (PMID: 30609409, 23375657, 37279760, 11845407, 23801931)

Clinical Genomics Laboratory, Washington University in St. Louis
Classification: Pathogenic for Glomuvenous malformation. Last evaluated: 2024-02-01. Review status: criteria provided, single submitter. Criteria: ACMG Guidelines, 2015. Collection method: clinical testing. Allele origin: germline. Affected: yes.
Comment: The GLMN c.554_558delinsG (p.Lys185Serfs*19) variant was identified at a near heterozygous allele fraction of 53%, a frequency which may be consistent with it being of germline origin. This variant has been reported in numerous individuals with glomuvenous malformations (Amyere M et al., PMID: 23375657; Brouillard P et al., PMID: 23801931) and has been reported in the ClinVar database as pathogenic/likely pathogenic in a germline state by multiple submitters (ClinVar Variation ID: 667406). This variant is absent from the general population (gnomAD v4.0.0) indicating it is not a common variant. This complex variant is a deletion of 4 nucleotides followed by a single nucleotide variant, which results in a frameshift, leading to a premature termination codon, which is predicted to lead to nonsense mediated decay. Based on available information, and based on ACMG/AMP guidelines for variant interpretation (Richards S et al., PMID: 25741868), this GLMN c.554_558delinsG (p.Lys185Serfs*19) variant is classified as pathogenic.

Laboratory for Molecular Medicine, Mass General Brigham Personalized Medicine
Classification: Likely pathogenic for Glomuvenous malformations. Last evaluated: 2018-02-14. Review status: criteria provided, single submitter. Criteria: LMM Criteria. Collection method: clinical testing. Allele origin: germline. Inheritance: Autosomal dominant inheritance. Observed: 2 variant alleles.
Comment: The p.Lys185SerfsX19 (NM_053274.2 c.554_558delinsG) variant in GLMN has been pre viously reported in one individual with glomuvenous malformations, who had a som atic second hit (acquired uniparental isodisomy for 1p) in the affected tissue ( Brouillard 2002 and Amyere 2013). It is absent from large population studies. Th is variant is predicted to cause a frameshift, which alters the protein?s amino acid sequence beginning at position 185 and leads to a premature termination cod on 19 amino acids downstream. This alteration is then predicted to lead to a tru ncated or absent protein. Heterozygous loss of function of the GLMN gene has bee n associated with glomuvenous malformations. In summary, although additional stu dies are required to fully establish its clinical significance, the p.Lys185Serf sX19 variant is likely pathogenic for glomuvenous malformations in an autosomal dominant manner based upon its occurrence in an affected individual and its pred icted null effect.

Literature cited by the submitters: PubMed 11845407 (cited by Laboratory for Molecular Medicine, Mass General Brigham Personalized Medicine); PubMed 23375657 (cited by Laboratory for Molecular Medicine, Mass General Brigham Personalized Medicine).

NM_053274.3(GLMN):c.554_558delinsG (p.Lys185fs)

Gene: GLMN (glomulin, FKBP associated protein; minus strand). Cytogenetic location: 1p22.1.
Variant type: Indel.
Coding change: c.554_558delinsG on transcript NM_053274.3 (MANE Select); coding-DNA positions 554 to 558, AGCCT replaced by G.
Protein change: p.Lys185fs; shifts the reading frame from lysine 185.
Molecular consequence: frameshift variant. On other transcripts: non-coding transcript variant (1).
Genome position (GRCh38, 1-based): chr1:92,288,988-92,288,992, AGGCT replaced by C on the plus strand (AGCCT replaced by G on the coding strand, the reverse complement: GLMN is on the minus strand). VCF-style: chr1-92288988-AGGCT-C. GRCh37 (hg19) VCF-style: chr1-92754545-AGGCT-C.
Other names: c.554_558delinsG, p.Lys185fs (NM_001319683.2); short protein forms K185fs.
Identifiers: ClinVar variation 667406 (VCV000667406.10), dbSNP rs1570964992, ClinGen allele CA090986.